The following is an entry in ClinVar:

NM_000051.4(ATM):c.1139_1142dup (p.Ser381fs)

Gene: ATM (ATM serine/threonine kinase; plus strand). Cytogenetic location: 11q22.3.
Variant type: Duplication.
Coding change: c.1139_1142dup on transcript NM_000051.4 (MANE Select); coding-DNA positions 1139 to 1142, 4 bases duplicated (ACAG; older notation c.1139_1142dupACAG).
Protein change: p.Ser381fs; shifts the reading frame from serine 381.
Molecular consequence: frameshift variant.
Genome position (GRCh38, 1-based): chr11:108,249,006-108,249,009, ACAG duplicated. VCF-style (leftmost placement, unchanged base first): chr11-108249005-T-TACAG. GRCh37 (hg19) VCF-style: chr11-108119732-T-TACAG.
Other names: c.1139_1142dupACAG (NM_000051.3); c.1139_1142dup, p.Ser381fs (NM_001351834.2); short protein forms S381fs.
Identifiers: ClinVar variation 280044 (VCV000280044.36), dbSNP rs886041340, ClinGen allele CA10603226.

ClinVar aggregate classification (germline): Pathogenic. Review status: criteria provided, multiple submitters, no conflicts (2 of 4 stars). 13 submissions from 13 submitters: Pathogenic (11). 2 of the submissions do not count toward it. Last evaluated 2026-01-21.

Conditions:
ATM-related disorder. Also called: ATM-related disorders; ATM-related condition.
Ataxia-telangiectasia syndrome (AT). Also called: LOUIS-BAR SYNDROME; Ataxia-telangiectasia, complementation group D; AT, COMPLEMENTATION GROUP C; Cerebello-oculocutaneous telangiectasia; Immunodeficiency with ataxia telangiectasia; Ataxia-telangiectasia, complementation group E. Identifiers: Orphanet 100, MedGen C0004135, MONDO:0008840, OMIM 208900.
Hereditary cancer-predisposing syndrome. Also called: Neoplastic Syndromes, Hereditary; Tumor predisposition; Hereditary Cancer Syndrome; Hereditary neoplastic syndrome. Identifiers: Orphanet 140162, MedGen C0027672, MeSH D009386, MONDO:0015356.
Familial cancer of breast. Also called: Hereditary breast cancer; BREAST CANCER, FAMILIAL; hereditary breast carcinoma. Identifiers: Orphanet 227535, MedGen C0346153, MONDO:0016419, OMIM 114480. Disease mechanism: loss of function.
ATM-related cancer predisposition. Also called: ATM-related cancer susceptibility. Identifiers: MedGen CN377759, MONDO:0700270.

Allele frequency attached by ClinVar (database versions not stated): gnomAD exomes 0.00001 and below 0.00001; TOPMed 0.00001.

Submissions (13):

Labcorp Genetics (formerly Invitae), Labcorp
Classification: Pathogenic for Ataxia-telangiectasia syndrome. Last evaluated: 2026-01-21. Review status: criteria provided, single submitter. Criteria: Invitae Variant Classification Sherloc (09022015). Collection method: clinical testing. Allele origin: germline.
Comment: This sequence change creates a premature translational stop signal (p.Ser381Argfs*27) in the ATM gene. It is expected to result in an absent or disrupted protein product. Loss-of-function variants in ATM are known to be pathogenic (PMID: 23807571, 25614872). This variant is present in population databases (no rsID available, gnomAD 0.002%). This premature translational stop signal has been observed in individual(s) with ataxia-telangiectasia (PMID: 9872980). In at least one individual the data is consistent with being in trans (on the opposite chromosome) from a pathogenic variant. ClinVar contains an entry for this variant (Variation ID: 280044). For these reasons, this variant has been classified as Pathogenic.

Color Diagnostics, LLC DBA Color Health
Classification: Pathogenic for Hereditary cancer-predisposing syndrome. Last evaluated: 2025-09-18. Review status: criteria provided, single submitter. Criteria: ACMG Guidelines, 2015. Collection method: clinical testing. Allele origin: germline.
Comment: This variant inserts 4 nucleotides in exon 9 of the ATM gene, creating a frameshift and premature translation stop signal. This variant is expected to result in an absent or non-functional protein product. This variant is also known as 1141insGACA in the literature. This variant has been observed in the compound heterozygous state in individuals affected with Ataxia-Telangiectasia (PMID: 9711876, 9872980, 10817650). This variant has been identified in 2/251284 chromosomes in the general population by the Genome Aggregation Database (gnomAD). Loss of ATM function is a known mechanism of disease. Based on the available evidence, this variant is classified as Pathogenic.

ARUP Laboratories, Molecular Genetics and Genomics, ARUP Laboratories
Classification: Pathogenic. Last evaluated: 2025-07-11. Review status: criteria provided, single submitter. Criteria: ARUP Molecular Germline Variant Investigation Process 2024. Collection method: clinical testing. Allele origin: germline.
Comment: The ATM c.1139_1142dup; p.Ser381ArgfsTer27 variant (rs886041340, ClinVar Variation ID: 280044) is reported in the literature in one individual affected with ataxia-telangiectasia who also carry a pathogenic variant in trans (Hacia 1998) and in individuals with ovarian cancer and aplastic anemia (Carter 2018, Feurstein 2021). This variant is only observed on two alleles in the Genome Aggregation Database (v2.1.1), indicating it is not a common polymorphism. This variant causes a frameshift by duplicating 4 nucleotides, so it is predicted to result in a truncated protein or mRNA subject to nonsense-mediated decay. Based on available information, this variant is considered to be pathogenic. References: Carter NJ et al. Germline pathogenic variants identified in women with ovarian tumors. Gynecol Oncol. 2018 Dec;151(3):481-488. PMID: 30322717. Feurstein S et al. Germline variants drive myelodysplastic syndrome in young adults. Leukemia. 2021 Aug;35(8):2439-2444. PMID: 33510405. Hacia JG et al. Strategies for mutational analysis of the large multiexon ATM gene using high-density oligonucleotide arrays. Genome Res. 1998 Dec;8(12):1245-58. PMID: 9872980.

Ambry Genetics
Classification: Pathogenic for Hereditary cancer-predisposing syndrome. Last evaluated: 2025-04-14. Review status: criteria provided, single submitter. Criteria: Ambry Variant Classification Scheme 2023. Collection method: clinical testing. Allele origin: germline.
Comment: The c.1139_1142dupACAG pathogenic mutation, located in coding exon 8 of the ATM gene, results from a duplication of ACAG at nucleotide position 1139, causing a translational frameshift with a predicted alternate stop codon (p.S381Rfs*27). This mutation has been detected in the compound heterozygous state with a second ATM mutation in individuals with ataxia telangiectasia (Li A and Swift M. Am. J. Med. Genet. 2000 May;92:170-7; Hacia JG et al. Genome Res. 1998 Dec;8:1245-58). Of note, this alteration is also designated as 1141insGACA in the published literature. In addition to the clinical data presented in the literature, this alteration is expected to result in loss of function by premature protein truncation or nonsense-mediated mRNA decay. As such, this alteration is interpreted as a disease-causing mutation.

Institute for Genomic Medicine (IGM) Clinical Laboratory, Nationwide Children's Hospital
Classification: Pathogenic for ATM-related cancer predisposition. Last evaluated: 2024-10-18. Review status: criteria provided, single submitter. Criteria: ACMG Guidelines, 2015. Collection method: clinical testing. Allele origin: germline.
Comment: This variant is predicted to result in loss of function through nonsense-mediated decay of the encoded transcript or premature truncation of the encoded protein in a gene in which loss of function is a known mechanism of disease (ACMG/AMP: PVS1; PMIDs:10677309, 33509806). This variant is absent from or present at an exceedingly low frequency in gnomAD, a large-scale control population database (ACMG/AMP: PM2). This variant has been observed in trans with a pathogenic variant (ACMG/AMP: PM3; PMID:9872980).

Myriad Genetics, Inc.
Classification: Pathogenic for Familial cancer of breast. Last evaluated: 2024-01-12. Review status: criteria provided, single submitter. Criteria: Myriad Autosomal Dominant, Autosomal Recessive and X-Linked Classification Criteria (2023). Collection method: clinical testing. Allele origin: unknown.
Comment: This variant is considered pathogenic. This variant creates a frameshift predicted to result in premature protein truncation.

Baylor Genetics
Classification: Pathogenic for Familial cancer of breast. Last evaluated: 2023-11-21. Review status: criteria provided, single submitter. Criteria: ACMG Guidelines, 2015. Collection method: clinical testing. Allele origin: unknown.

GeneDx
Classification: Pathogenic. Last evaluated: 2023-07-12. Review status: criteria provided, single submitter. Criteria: GeneDx Variant Classification Process June 2021. Collection method: clinical testing. Allele origin: germline. Affected: yes.
Comment: Frameshift variant predicted to result in protein truncation or nonsense mediated decay in a gene for which loss-of-function is a known mechanism of disease; Not observed at a significant frequency in large population cohorts (gnomAD); Truncating variants in this gene are considered pathogenic by a well-established clinical consortium and/or database; Also known as 1141insGACA; This variant is associated with the following publications: (PMID: 8659541, 8808599, 29922827, 30322717, 33510405, 34153142, 34570182, 9711876, 10817650, 9872980)

Fulgent Genetics
Classification: Pathogenic for Familial cancer of breast; Ataxia-telangiectasia syndrome. Last evaluated: 2021-09-02. Review status: criteria provided, single submitter. Criteria: ACMG Guidelines, 2015. Collection method: clinical testing. Allele origin: unknown.

Genetic Services Laboratory, University of Chicago
Classification: Pathogenic. Last evaluated: 2017-08-18. Review status: criteria provided, single submitter. Criteria: ACMG Guidelines, 2015. Collection method: clinical testing. Allele origin: germline. Affected: yes.

Women's Health and Genetics/Laboratory Corporation of America, LabCorp
Classification: Pathogenic for Ataxia-telangiectasia syndrome. Last evaluated: 2016-08-24. Review status: criteria provided, single submitter. Criteria: LabCorp Variant Classification Summary - May 2015. Collection method: clinical testing. Allele origin: germline.
Comment: Variant summary: The ATM c.1139_1142dupACAG (p.Ser381Argfs) variant results in a premature termination codon, predicted to cause a truncated or absent ATM protein due to nonsense mediated decay, which are commonly known mechanisms for disease. Truncations downstream of this position have been classified as pathogenic by our laboratory (e.g. p.Trp393X, p.Gln1017X, p.Arg1466X, p.Tyr2755fs). One in silico tool predicts a damaging outcome for this variant. This variant was absent in 121144 control chromosomes, but has been cited in at least one AT patients in the literature. Taken together, this variant is classified as pathogenic.

PreventionGenetics, part of Exact Sciences
Classification: Pathogenic for ATM-related condition. Last evaluated: 2024-07-24. Review status: no assertion criteria provided. Collection method: clinical testing. Allele origin: germline. Not counted in ClinVar's aggregate classification.
Comment: The ATM c.1139_1142dupACAG variant is predicted to result in a frameshift and premature protein termination (p.Ser381Argfs*27). This variant has been reported in patients to be causative for autosomal recessive ataxia telangiectasia (reported as 1141isGACA in Hacia et al. 1998. PubMed ID: 9872980; Li et al. 2000. PubMed ID: 10817650) and has also been reported in a patient with ovarian cancer (Carter et al. 2018.PubMed ID: 30322717). This variant is reported in 0.0018% of alleles in individuals of European (Non-Finnish) descent in gnomAD and is interpreted as pathogenic in ClinVar. Frameshift variants in ATM are expected to be pathogenic. This variant is interpreted as pathogenic.

Natera, Inc.
Classification: Pathogenic for Ataxia-telangiectasia. Last evaluated: 2020-05-21. Review status: no assertion criteria provided. Collection method: clinical testing. Allele origin: germline. Not counted in ClinVar's aggregate classification.

Literature cited by the submitters: PubMed 23807571 (cited by Labcorp Genetics (formerly Invitae), Labcorp); PubMed 25614872 (cited by Labcorp Genetics (formerly Invitae), Labcorp); PubMed 9872980 (cited by 5 submitters); PubMed 9711876 (cited by Color Diagnostics, LLC DBA Color Health and Women's Health and Genetics/Laboratory Corporation of America, LabCorp); PubMed 10817650 (cited by Color Diagnostics, LLC DBA Color Health and Ambry Genetics); PubMed 10677309 (cited by Institute for Genomic Medicine (IGM) Clinical Laboratory, Nationwide Children's Hospital); PubMed 33509806 (cited by Institute for Genomic Medicine (IGM) Clinical Laboratory, Nationwide Children's Hospital).